The following is an entry in ClinVar:

NM_000396.4(CTSK):c.953G>A (p.Cys318Tyr)

Gene: CTSK (cathepsin K; minus strand). Cytogenetic location: 1q21.3.
Variant type: single nucleotide variant.
Coding change: c.953G>A on transcript NM_000396.4 (MANE Select); coding-DNA position 953, G replaced by A.
Protein change: p.Cys318Tyr; replaces cysteine 318 with tyrosine.
Molecular consequence: missense variant.
Genome position (GRCh38, 1-based): chr1:150,796,836, C>T on the plus strand (G>A on the coding strand, the complement: CTSK is on the minus strand). VCF-style: chr1-150796836-C-T. GRCh37 (hg19) VCF-style: chr1-150769312-C-T.
Other names: short protein forms C318Y.
Identifiers: ClinVar variation 649051 (VCV000649051.43), dbSNP rs762780994, ClinGen allele CA1080385.

ClinVar aggregate classification (germline): Pathogenic/Likely pathogenic. Review status: criteria provided, multiple submitters, no conflicts (2 of 4 stars). 11 submissions from 11 submitters: Pathogenic (8); Likely pathogenic (2). 1 of the submissions does not count toward it. Last evaluated 2025-11-07.

Conditions:
Abnormality of the skeletal system. Identifiers: MedGen C4021790, HP:0000924.
Pyknodysostosis. Also called: Pycnodysostosis. Identifiers: Orphanet 763, MedGen C0238402, MONDO:0009940, OMIM 265800.

Allele frequency attached by ClinVar (database versions not stated): gnomAD exomes 0.00001; ExAC 0.00002; gnomAD 0.00007 and 0.00008; TOPMed 0.00011.
gnomAD v4.1: 29 of 1,614,192 alleles (0.0018%); highest among the groups gnomAD compares: African/African-American, 0.025%; no homozygotes.

Submissions (11):

Natera, Inc.
Classification: Pathogenic for Pyknodysostosis. Last evaluated: 2025-11-07. Review status: criteria provided, single submitter. Criteria: Natera Variant Classification Schema (03/2026). Collection method: clinical testing. Allele origin: germline.
Comment: The c.953G>A variant in CTSK is a missense variant predicted to cause substitution of cysteine to tyrosine at amino acid 318. This variant is rare in the general population with a frequency below the threshold expected for the associated phenotype(s). This variant has been observed in one or more individuals affected with the associated recessive disease, as either homozygous or compound heterozygous with a second variant (PMID: 27558267). Given the available evidence, this variant is classified as Pathogenic.

Labcorp Genetics (formerly Invitae), Labcorp
Classification: Pathogenic. Last evaluated: 2025-09-02. Review status: criteria provided, single submitter. Criteria: Invitae Variant Classification Sherloc (09022015). Collection method: clinical testing. Allele origin: germline.
Comment: This sequence change replaces cysteine, which is neutral and slightly polar, with tyrosine, which is neutral and polar, at codon 318 of the CTSK protein (p.Cys318Tyr). This variant is present in population databases (rs762780994, gnomAD 0.02%). This missense change has been observed in individual(s) with pycnodysostosis (PMID: 20814951, 24057333, 27558267). In at least one individual the data is consistent with being in trans (on the opposite chromosome) from a pathogenic variant. ClinVar contains an entry for this variant (Variation ID: 649051). Invitae Evidence Modeling of protein sequence and biophysical properties (such as structural, functional, and spatial information, amino acid conservation, physicochemical variation, residue mobility, and thermodynamic stability) indicates that this missense variant is expected to disrupt CTSK protein function with a positive predictive value of 80%. For these reasons, this variant has been classified as Pathogenic.

Dasa
Classification: Pathogenic. Last evaluated: 2025-08-29. Review status: criteria provided, single submitter. Criteria: DASA Assertion Criteria. Collection method: clinical testing. Allele origin: germline.
Comment: NM_000396.4(CTSK):c.953G>A (p.Cys318Tyr) is a missense variant that results in the substitution of cysteine with tyrosine. This variant has been observed in affected individuals with related phenotype in a genotype context consistent with recessive disease (PMID: 27558267; PMID: 37288425; PMID: 20814951). This variant has been recurrently observed in individuals with related phenotype (PMID: 27558267; PMID: 37288425; PMID: 20814951). Multiple computational predictions support a deleterious effect on the gene or gene product. The variant is present at low frequency in population datasets. Based on the available data, this variant is classified as pathogenic.

GeneDx
Classification: Pathogenic. Last evaluated: 2024-11-26. Review status: criteria provided, single submitter. Criteria: GeneDx Variant Classification Process June 2021. Collection method: clinical testing. Allele origin: germline. Affected: yes.
Comment: In silico analysis supports that this missense variant has a deleterious effect on protein structure/function; This variant is associated with the following publications: (PMID: 21569238, 24057333, 20814951, 31237352, 31680459, 25550899, 27558267, 28651365, 37288425, 38374194)

Laboratorio de Genetica e Diagnostico Molecular, Hospital Israelita Albert Einstein
Classification: Pathogenic for Pyknodysostosis. Last evaluated: 2024-11-11. Review status: criteria provided, single submitter. Criteria: ACMG Guidelines, 2015. Collection method: clinical testing. Allele origin: germline. Affected: yes.
Comment: ACMG classification criteria: PM2 supporting, PM3 very strong, PP1 supporting, PP3 supporting

Fulgent Genetics
Classification: Pathogenic for Pyknodysostosis. Last evaluated: 2024-02-08. Review status: criteria provided, single submitter. Criteria: ACMG Guidelines, 2015. Collection method: clinical testing. Allele origin: germline.

Women's Health and Genetics/Laboratory Corporation of America, LabCorp
Classification: Pathogenic for Pyknodysostosis. Last evaluated: 2023-12-13. Review status: criteria provided, single submitter. Criteria: LabCorp Variant Classification Summary - May 2015. Collection method: clinical testing. Allele origin: germline.
Comment: Variant summary: CTSK c.953G>A (p.Cys318Tyr) results in a non-conservative amino acid change located in the Peptidase C1A, papain C-terminal domain (IPR000668) of the encoded protein sequence. Five of five in-silico tools predict a damaging effect of the variant on protein function. The variant allele was found at a frequency of 1.2e-05 in 251474 control chromosomes (gnomAD). The available data on variant occurrences in the general population are insufficient to allow any conclusion about variant significance. c.953G>A has been reported in the literature in both homozygous and compound heterozygous individuals affected with Pyknodysostosis (e.g., Bertola_2010, Khirani_2020). These data indicate that the variant is very likely to be associated with disease. The following publications have been ascertained in the context of this evaluation (PMID: 20814951, 31680459). Six submitters have reported clinical-significance assessments for this variant to ClinVar after 2014. All submitters classified the variant as pathogenic/likely pathogenic. Based on the evidence outlined above, the variant was classified as pathogenic.

Division of Human Genetics, National Health Laboratory Service/University of the Witwatersrand
Classification: Pathogenic for Pyknodysostosis. Last evaluated: 2023-07-01. Review status: criteria provided, single submitter. Criteria: ACMG Guidelines, 2015. Collection method: research. Allele origin: germline. Affected: yes.

Genome-Nilou Lab
Classification: Likely pathogenic for Pyknodysostosis. Last evaluated: 2023-04-11. Review status: criteria provided, single submitter. Criteria: ACMG Guidelines, 2015. Collection method: clinical testing. Allele origin: germline. Affected: no.

Kariminejad - Najmabadi Pathology & Genetics Center
Classification: Likely pathogenic for Abnormality of the skeletal system. Last evaluated: 2021-07-10. Review status: criteria provided, single submitter. Criteria: ACMG Guidelines, 2015. Collection method: clinical testing. Allele origin: germline. Affected: yes.

Dr.Nikuei Genetic Center
Classification: Pathogenic for Pyknodysostosis. Review status: no assertion criteria provided. Collection method: clinical testing. Allele origin: germline. Inheritance: Autosomal recessive inheritance. Affected: yes. Observed: 1 homozygote. Not counted in ClinVar's aggregate classification.

Literature cited by the submitters: PubMed 27558267 (cited by 3 submitters); PubMed 20814951 (cited by 3 submitters); PubMed 24057333 (cited by Labcorp Genetics (formerly Invitae), Labcorp); PubMed 37288425 (cited by Dasa); PubMed 31680459 (cited by Women's Health and Genetics/Laboratory Corporation of America, LabCorp).